The following is an entry in ClinVar:

NM_003072.5(SMARCA4):c.4754G>C (p.Gly1585Ala)

Gene: SMARCA4 (SWI/SNF related BAF chromatin remodeling complex subunit ATPase 4; plus strand). Cytogenetic location: 19p13.2.
Variant type: single nucleotide variant.
Coding change: c.4754G>C on transcript NM_003072.5 (MANE Select); coding-DNA position 4754, G replaced by C.
Protein change: p.Gly1585Ala; replaces glycine 1585 with alanine.
Molecular consequence: missense variant. On other transcripts: non-coding transcript variant (1).
Genome position (GRCh38, 1-based): chr19:11,059,871, G>C. VCF-style: chr19-11059871-G-C. GRCh37 (hg19) VCF-style: chr19-11170547-G-C.
Other names: c.4754G>C, p.Gly1585Ala (NM_001128844.3); c.4664G>C, p.Gly1555Ala (NM_001128845.2); c.4661G>C, p.Gly1554Ala (NM_001128846.2); c.4655G>C, p.Gly1552Ala (NM_001128847.4, NM_001374457.1); c.4652G>C, p.Gly1551Ala (NM_001128848.2); c.4850G>C, p.Gly1617Ala (NM_001128849.3, NM_001387283.1); short protein forms G1617A, G1552A, G1554A, G1555A, G1551A, G1585A.
Identifiers: ClinVar variation 238487 (VCV000238487.10), dbSNP rs148115492, ClinGen allele CA9204836.
Genomic context (GRCh38, chr19:11,059,871, plus strand): 5'-AGAAGGAGGATGACAGTGAAGGCGAGGAGAGTGAGGAGGAGGAAGAGGGCGAGGAGGAAG[G>C]CTCCGAATCCGAATGTGAGTCCCGGGGGGGTTCAGGACGCCGGGGTTCACGCTGGCCCGA-3'
Protein context (NP_003063.2, residues 1575-1595): SEEEEEGEEE[Gly1585Ala]SESESRSVKV

ClinVar aggregate classification (germline): Uncertain significance. Review status: criteria provided, multiple submitters, no conflicts (2 of 4 stars). 2 submissions from 2 submitters: Uncertain significance (2). Last evaluated 2026-01-19.

Conditions:
Hereditary cancer-predisposing syndrome. Also called: Neoplastic Syndromes, Hereditary; Hereditary neoplastic syndrome; Tumor predisposition; Hereditary Cancer Syndrome. Identifiers: Orphanet 140162, MedGen C0027672, MeSH D009386, MONDO:0015356.
Rhabdoid tumor predisposition syndrome 2 (RTPS2). Identifiers: Orphanet 231108, Orphanet 69077, MedGen C2750074, MONDO:0013224, OMIM 613325.

gnomAD v4.1: 12 of 1,613,944 alleles (0.00074%); highest among the groups gnomAD compares: Admixed American, 0.0067%; no homozygotes.

Submissions (2):

Labcorp Genetics (formerly Invitae), Labcorp
Classification: Uncertain significance for Rhabdoid tumor predisposition syndrome 2. Last evaluated: 2026-01-19. Review status: criteria provided, single submitter. Criteria: Invitae Variant Classification Sherloc (09022015). Collection method: clinical testing. Allele origin: germline.
Comment: This sequence change replaces glycine, which is neutral and non-polar, with alanine, which is neutral and non-polar, at codon 1617 of the SMARCA4 protein (p.Gly1617Ala). This variant is present in population databases (rs148115492, gnomAD 0.006%). This variant has not been reported in the literature in individuals affected with SMARCA4-related conditions. ClinVar contains an entry for this variant (Variation ID: 238487). Invitae Evidence Modeling of protein sequence and biophysical properties (such as structural, functional, and spatial information, amino acid conservation, physicochemical variation, residue mobility, and thermodynamic stability) indicates that this missense variant is not expected to disrupt SMARCA4 protein function with a negative predictive value of 80%. In summary, the available evidence is currently insufficient to determine the role of this variant in disease. Therefore, it has been classified as a Variant of Uncertain Significance.

Ambry Genetics
Classification: Uncertain significance for Hereditary cancer-predisposing syndrome. Last evaluated: 2024-02-28. Review status: criteria provided, single submitter. Criteria: Ambry Variant Classification Scheme 2023. Collection method: clinical testing. Allele origin: germline.
Comment: The p.G1617A variant (also known as c.4850G>C), located in coding exon 33 of the SMARCA4 gene, results from a G to C substitution at nucleotide position 4850. The glycine at codon 1617 is replaced by alanine, an amino acid with similar properties. This amino acid position is well conserved in available vertebrate species. In addition, the in silico prediction for this alteration is inconclusive. Missense and in-frame variants in SMARCA4 are known to cause neurodevelopmental disorders; however, such associations with rhabdoid tumor predisposition syndrome including small cell carcinoma of the ovary-hypercalcemic type (SCCOHT) are exceedingly rare (Kosho T et al. Am J Med Genet C Semin Med Genet. 2014 Sep;166C(3):262-75; Jelinic P et al. Nat Genet. 2014 May;46(5):424-6). Based on the supporting evidence, the association of this alteration with Coffin-Siris syndrome is unknown; however, the association of this alteration with rhabdoid tumor predisposition syndrome is unlikely.